The following is an entry in ClinVar:

ClinVar aggregate classification (germline): Conflicting classifications of pathogenicity. Review status: criteria provided, conflicting classifications (1 of 4 stars). 3 submissions from 3 submitters: Uncertain significance (2); Likely benign (1). Last evaluated 2024-04-29.

Conditions:
Malignant hyperthermia, susceptibility to, 5 (MHS5). Also called: CACNA1S-Related Malignant Hyperthermia Susceptibility. Identifiers: Orphanet 423, MedGen C1866077, MONDO:0011163, OMIM 601887.
Hypokalemic periodic paralysis, type 1. Also called: Hypokalemic Periodic Paralysis Type 1 (AD); HypoPP. Identifiers: Orphanet 681, MedGen C3714580, MONDO:0042979, OMIM 170400.
Congenital myopathy 18. Also called: Myopathy, congenital, due to dihydropyridine receptor defect; DIHYDROPYRIDINE RECEPTOR CONGENITAL MYOPATHY; DHPR CONGENITAL MYOPATHY. Identifiers: MedGen C5830283, MONDO:0859514, OMIM 620246.
Thyrotoxic periodic paralysis, susceptibility to, 1 (TTPP1). Identifiers: Orphanet 79102, MedGen C2749982, MONDO:0008570, OMIM 188580.

Allele frequency attached by ClinVar (database versions not stated): ExAC 0.00002; gnomAD 0.00002; TOPMed 0.00002; gnomAD exomes 0.00003.

Submissions (3):

Fulgent Genetics
Classification: Uncertain significance for Hypokalemic periodic paralysis, type 1; Thyrotoxic periodic paralysis, susceptibility to, 1; Malignant hyperthermia, susceptibility to, 5; Congenital myopathy 18. Last evaluated: 2024-04-29. Review status: criteria provided, single submitter. Criteria: ACMG Guidelines, 2015. Collection method: clinical testing. Allele origin: germline.

All of Us Research Program, National Institutes of Health
Classification: Uncertain significance for Malignant hyperthermia, susceptibility to, 5. Last evaluated: 2024-02-22. Review status: criteria provided, single submitter. Criteria: ACMG Guidelines, 2015. Collection method: clinical testing. Allele origin: germline. Inheritance: Autosomal dominant inheritance. Observed: 6 variant alleles, 6 heterozygotes.
Comment: This missense variant replaces arginine with tryptophan at codon 253 of the CACNA1S protein. Computational prediction is inconclusive regarding the impact of this variant on protein structure and function (internally defined REVEL score threshold 0.5 < inconclusive < 0.7, PMID: 27666373). To our knowledge, functional studies have not been reported for this variant. This variant has not been reported in individuals affected with CACNA1S-related disorders in the literature. This variant has been identified in 10/282312 chromosomes in the general population by the Genome Aggregation Database (gnomAD). The available evidence is insufficient to determine the role of this variant in disease conclusively. Therefore, this variant is classified as a Variant of Uncertain Significance.

This study involves interpretation of variants in research participants for the purpose of population health screening. Participant phenotype was not available at the time of variant classification. Additional details can be found in publication PMID: 35346344, PMCID: PMC8962531

Labcorp Genetics (formerly Invitae), Labcorp
Classification: Likely benign for Hypokalemic periodic paralysis, type 1; Malignant hyperthermia, susceptibility to, 5. Last evaluated: 2023-09-10. Review status: criteria provided, single submitter. Criteria: Invitae Variant Classification Sherloc (09022015). Collection method: clinical testing. Allele origin: germline.

NM_000069.3(CACNA1S):c.757C>T (p.Arg253Trp)

Gene: CACNA1S (calcium voltage-gated channel subunit alpha1 S; minus strand). Cytogenetic location: 1q32.1.
Variant type: single nucleotide variant.
Coding change: c.757C>T on transcript NM_000069.3 (MANE Select); coding-DNA position 757, C replaced by T.
Protein change: p.Arg253Trp; replaces arginine 253 with tryptophan.
Molecular consequence: missense variant.
Genome position (GRCh38, 1-based): chr1:201,089,401, G>A on the plus strand (C>T on the coding strand, the complement: CACNA1S is on the minus strand). VCF-style: chr1-201089401-G-A. GRCh37 (hg19) VCF-style: chr1-201058529-G-A.
Other names: short protein forms R253W.
Identifiers: ClinVar variation 864584 (VCV000864584.12), dbSNP rs555596737, ClinGen allele CA083990.